The following is an entry in ClinVar:

NM_014727.3(KMT2B):c.5764A>G (p.Arg1922Gly)

Gene: KMT2B (lysine methyltransferase 2B; plus strand). Cytogenetic location: 19q13.12.
Variant type: single nucleotide variant.
Coding change: c.5764A>G on transcript NM_014727.3 (MANE Select); coding-DNA position 5764, A replaced by G.
Protein change: p.Arg1922Gly; replaces arginine 1922 with glycine.
Molecular consequence: missense variant.
Genome position (GRCh38, 1-based): chr19:35,732,313, A>G. VCF-style: chr19-35732313-A-G. GRCh37 (hg19) VCF-style: chr19-36223214-A-G.
Other names: short protein forms R1922G.
Identifiers: ClinVar variation 1803407 (VCV001803407.2), dbSNP rs1479900354, ClinGen allele CA405423734.
Genomic context (GRCh38, chr19:35,732,313, plus strand): 5'-GGAGACCCGGACTTCCCAGCTCCCCCCAGACGTTCCCGTCGTCCCAGCCCTTTGGCTCCC[A>G]GGCCGCCTCCATCACGGTGGGCCTCCCCTCCTCTAAAAACCTCCCCTCAGCTCAGGGTGC-3'
Protein context (NP_055542.1, residues 1912-1932): RSRRPSPLAP[Arg1922Gly]PPPSRWASPP

ClinVar aggregate classification (germline): Uncertain significance (1 of 4 stars; one submission).

Allele frequency attached by ClinVar (database versions not stated): gnomAD exomes below 0.00001; gnomAD 0.00001; TOPMed 0.00001.
gnomAD v4.1: 2 of 1,609,918 alleles (0.00012%); highest among the groups gnomAD compares: Non-Finnish European, 0.00017%; no homozygotes.

Submission:

GeneDx
Classification: Uncertain significance. Last evaluated: 2024-05-02. Review status: criteria provided, single submitter. Criteria: GeneDx Variant Classification Process June 2021. Collection method: clinical testing. Allele origin: germline.
Comment: Not observed at significant frequency in large population cohorts (gnomAD); In silico analysis indicates that this missense variant does not alter protein structure/function; Has not been previously published as pathogenic or benign to our knowledge